The following is an entry in ClinVar:

ClinVar aggregate classification (germline): Likely benign. Review status: criteria provided, multiple submitters, no conflicts (2 of 4 stars). 2 submissions from 2 submitters: Likely benign (2). Last evaluated 2025-09-04.

Conditions:
CEP290-related disorder. Also called: CEP290-related condition; CEP290-related disorders. Identifiers: MedGen CN239314.
Meckel-Gruber syndrome. Also called: DYSENCEPHALIA SPLANCHNOCYSTICA; Dysencephalia splachnocystica; GRUBER SYNDROME. Identifiers: Orphanet 564, MedGen C0265215, MONDO:0018921.
Joubert syndrome. Also called: Familial aplasia of the vermis; JOUBERT-BOLTSHAUSER SYNDROME. Identifiers: Orphanet 475, MedGen C5979921, MONDO:0018772.
Nephronophthisis. Also called: Juvenile Nephronophthisis. Identifiers: Orphanet 655, MedGen C0687120, MONDO:0019005, HP:0000090.

gnomAD v4.1: 1 of 1,610,618 alleles (0.000062%); no homozygotes.

Submissions (2):

PreventionGenetics, part of Exact Sciences
Classification: Likely benign for CEP290-related condition. Last evaluated: 2025-09-04. Review status: criteria provided, single submitter. Criteria: ACMG Guidelines, 2015. Collection method: clinical testing. Allele origin: germline.
Comment: This variant is classified as likely benign based on ACMG/AMP sequence variant interpretation guidelines (Richards et al. 2015 PMID: 25741868, with internal and published modifications).

Labcorp Genetics (formerly Invitae), Labcorp
Classification: Likely benign for Joubert syndrome; Meckel-Gruber syndrome; Nephronophthisis. Last evaluated: 2019-09-14. Review status: criteria provided, single submitter. Criteria: Invitae Variant Classification Sherloc (09022015). Collection method: clinical testing. Allele origin: germline.

NM_025114.4(CEP290):c.4488G>A (p.Leu1496=)

Gene: CEP290 (centrosomal protein 290; minus strand). Cytogenetic location: 12q21.32.
Variant type: single nucleotide variant.
Coding change: c.4488G>A on transcript NM_025114.4 (MANE Select); coding-DNA position 4488, G replaced by A.
Protein change: p.Leu1496=; no amino-acid change (leucine 1496 retained).
Molecular consequence: synonymous variant.
Genome position (GRCh38, 1-based): chr12:88,084,802, C>T on the plus strand (G>A on the coding strand, the complement: CEP290 is on the minus strand). VCF-style: chr12-88084802-C-T. GRCh37 (hg19) VCF-style: chr12-88478579-C-T.
Other names: c.4488G>A (NM_025114.3).
Identifiers: ClinVar variation 1103768 (VCV001103768.10), dbSNP rs2137188485, ClinGen allele CA481076659.
Genomic context (GRCh38, chr12:88,084,802, plus strand): 5'-TTCTCTTTCTGCAGTGGCAGGCAATCGAAGCCTCAGTTCATTGATTACTTTGTCTCTTGA[C>T]AGTATATTTTGTTCTGCTAACCTTAAAGCAGATTCTTTCTCTTTTAGTTTCTGCAATGAT-3'
Protein context (NP_079390.3, residues 1486-1506): SALRLAEQNI[Leu1496=]SRDKVINELR